The following is an entry in ClinVar:

ClinVar aggregate classification (germline): Benign. Review status: criteria provided, multiple submitters, no conflicts (2 of 4 stars). 10 submissions from 10 submitters: Benign (9). 1 of the submissions does not count toward it. Last evaluated 2026-02-04.

Conditions:
Inborn genetic diseases. Identifiers: MedGen C0950123, MeSH D030342.
EPILEPSY, CHILDHOOD ABSENCE, SUSCEPTIBILITY TO, 2 (ECA2). Identifiers: Orphanet 64280, MedGen C1843244, OMIM 607681.
Febrile seizures, familial, 8 (FEB8). Also called: CONVULSIONS, FAMILIAL FEBRILE, 8. Identifiers: Orphanet 36387, MedGen C1969810, MONDO:0011891, OMIM 607681.

Allele frequency attached by ClinVar (database versions not stated): gnomAD exomes 0.25125 and 0.28415; ExAC 0.28540; ESP Exome Variant Server 0.30709; gnomAD 0.31557 and 0.31659; TOPMed 0.32041; 1000 Genomes Project 30x 0.36883; 1000 Genomes Project 0.37161.
gnomAD v4.1: 413,826 of 1,603,060 alleles (26%); highest among the groups gnomAD compares: East Asian, 56%; 58,206 homozygotes.

Submissions (10):

Labcorp Genetics (formerly Invitae), Labcorp
Classification: Benign for Febrile seizures, familial, 8; EPILEPSY, CHILDHOOD ABSENCE, SUSCEPTIBILITY TO, 2. Last evaluated: 2026-02-04. Review status: criteria provided, single submitter. Criteria: Invitae Variant Classification Sherloc (09022015). Collection method: clinical testing. Allele origin: germline.

Unidad de Genómica Garrahan, Hospital de Pediatría Garrahan
Classification: Benign. Last evaluated: 2024-07-15. Review status: criteria provided, single submitter. Criteria: ACMG Guidelines, 2015. Collection method: clinical testing. Allele origin: germline. Affected: no. Observed: 39 variant alleles.
Comment: This variant is classified as Benign based on local population frequency. This variant was detected in 42% of patients studied in a panel designed for Epileptic and Developmental Encephalopathy and Progressive Myoclonus Epilepsy. Number of patients: 39. Only high quality variants are reported.

Mayo Clinic Laboratories, Mayo Clinic
Classification: Benign. Last evaluated: 2018-04-10. Review status: criteria provided, single submitter. Criteria: ACMG Guidelines, 2015. Collection method: clinical testing. Allele origin: germline. Observed: 259 variant alleles.

Illumina Laboratory Services, Illumina
Classification: Benign for Febrile seizures, familial, 8. Last evaluated: 2018-01-13. Review status: criteria provided, single submitter. Criteria: ICSL Variant Classification Criteria 13 December 2019. Collection method: clinical testing. Allele origin: germline.
Comment: This variant was observed in the ICSL laboratory as part of a predisposition screen in an ostensibly healthy population. It had not been previously curated by ICSL or reported in the Human Gene Mutation Database (HGMD: prior to June 1st, 2018), and was therefore a candidate for classification through an automated scoring system. Utilizing variant allele frequency, disease prevalence and penetrance estimates, and inheritance mode, an automated score was calculated to assess if this variant is too frequent to cause the disease. Based on the score and internal cut-off values, a variant classified as benign is not then subjected to further curation. The score for this variant resulted in a classification of benign for this disease.

Athena Diagnostics
Classification: Benign for Febrile seizures, familial, 8. Last evaluated: 2017-04-28. Review status: criteria provided, single submitter. Criteria: Athena Diagnostics Criteria. Collection method: clinical testing. Allele origin: germline.

Ambry Genetics
Classification: Benign for Inborn genetic diseases. Last evaluated: 2016-01-11. Review status: criteria provided, single submitter. Criteria: Ambry Variant Classification Scheme 2023. Collection method: clinical testing. Allele origin: germline.

GeneDx
Classification: Benign. Last evaluated: 2015-03-03. Review status: criteria provided, single submitter. Criteria: GeneDx Variant Classification Process June 2021. Collection method: clinical testing. Allele origin: germline. Affected: yes.
Comment: This variant is associated with the following publications: (PMID: 29785705, 24061200, 21983990)

Eurofins Ntd Llc (ga)
Classification: Benign. Last evaluated: 2013-07-03. Review status: criteria provided, single submitter. Criteria: EGL Classification Definitions 2015. Collection method: clinical testing. Allele origin: germline. Observed: 1 variant allele, 1 heterozygote.

PreventionGenetics, part of Exact Sciences
Classification: Benign. Review status: criteria provided, single submitter. Criteria: ACMG Guidelines, 2015. Collection method: clinical testing. Allele origin: germline.

Genetic Services Laboratory, University of Chicago
Classification: Likely benign for AllHighlyPenetrant. Review status: no assertion criteria provided. Collection method: clinical testing. Allele origin: germline. Inheritance: Autosomal dominant inheritance. Not counted in ClinVar's aggregate classification.
Comment: Likely benign based on allele frequency in 1000 Genomes Project or ESP global frequency and its presence in a patient with a rare or unrelated disease phenotype. NOT Sanger confirmed.

NM_198904.4(GABRG2):c.588C>T (p.Asn196=)

Gene: GABRG2 (gamma-aminobutyric acid type A receptor subunit gamma2; plus strand). Cytogenetic location: 5q34.
Variant type: single nucleotide variant.
Coding change: c.588C>T on transcript NM_198904.4 (MANE Select); coding-DNA position 588, C replaced by T.
Protein change: p.Asn196=; no amino-acid change (asparagine 196 retained).
Molecular consequence: synonymous variant.
Genome position (GRCh38, 1-based): chr5:162,101,274, C>T. VCF-style: chr5-162101274-C-T. GRCh37 (hg19) VCF-style: chr5-161528280-C-T.
Other names: p.Asn196=; c.588C>T, p.Asn196= (NM_000816.3, NM_001375340.1, NM_001375341.1 and 4 more transcripts); c.579C>T, p.Asn193= (NM_001375339.1); c.522C>T, p.Asn174= (NM_001375345.1, NM_001375346.1); c.501C>T, p.Asn167= (NM_001375347.1); c.168C>T, p.Asn56= (NM_001375348.1, NM_001375350.1); c.303C>T, p.Asn101= (NM_001375349.1).
Identifiers: ClinVar variation 93434 (VCV000093434.32), dbSNP rs211037, ClinGen allele CA146973.
Genomic context (GRCh38, chr5:162,101,274, plus strand): 5'-GTTTAATATCTTTCTACTTAGGTTGACAATTGATGCTGAGTGCCAATTACAATTGCACAA[C>T]TTTCCAATGGATGAACACTCCTGCCCCTTGGAGTTCTCCAGTTGTAAGTAATATTCCTTC-3'
Protein context (NP_944494.1, residues 186-206): IDAECQLQLH[Asn196=]FPMDEHSCPL